The following is an entry in ClinVar:

ClinVar aggregate classification (germline): Benign. Review status: criteria provided, multiple submitters, no conflicts (2 of 4 stars). 3 submissions from 3 submitters: Benign (3). Last evaluated 2024-01-24.

Allele frequency attached by ClinVar (database versions not stated): TOPMed 0.48090; gnomAD 0.48225 and 0.48771; 1000 Genomes Project 30x 0.52186; 1000 Genomes Project 0.52835.
gnomAD v4.1: 664,307 of 1,281,682 alleles (52%); highest among the groups gnomAD compares: East Asian, 86%; 177,513 homozygotes.

Submissions (3):

Unidad de Genómica Garrahan, Hospital de Pediatría Garrahan
Classification: Benign. Last evaluated: 2024-01-24. Review status: criteria provided, single submitter. Criteria: ACMG Guidelines, 2015. Collection method: clinical testing. Allele origin: germline. Affected: no. Observed: 72 variant alleles.
Comment: This variant is classified as Benign based on local population frequency. This variant was detected in 82% of patients studied by a panel of primary immunodeficiencies. Number of patients: 72. Only high quality variants are reported.

GeneDx
Classification: Benign. Last evaluated: 2018-11-12. Review status: criteria provided, single submitter. Criteria: GeneDx Variant Classification Process June 2021. Collection method: clinical testing. Allele origin: germline. Affected: yes.

Breakthrough Genomics
Classification: Benign. Review status: criteria provided, single submitter. Criteria: ACMG Guidelines, 2015. Collection method: not provided. Allele origin: germline. Inheritance: Autosomal recessive inheritance. Affected: yes.

NM_001375834.1(WIPF1):c.1456+91G>C

Gene: WIPF1 (WAS/WASL interacting protein family member 1; minus strand). Cytogenetic location: 2q31.1.
Variant type: single nucleotide variant.
Coding change: c.1456+91G>C on transcript NM_001375834.1 (MANE Select); 91 bases into the intron after coding-DNA position 1456, G replaced by C.
Molecular consequence: intron variant.
Genome position (GRCh38, 1-based): chr2:174,566,979, C>G on the plus strand (G>C on the coding strand, the complement: WIPF1 is on the minus strand). VCF-style: chr2-174566979-C-G. GRCh37 (hg19) VCF-style: chr2-175431707-C-G.
Other names: c.1456+91G>C (NM_001375835.1, NM_001077269.1, NM_003387.5 and 2 more transcripts); c.1078+91G>C (NM_001375839.1).
Identifiers: ClinVar variation 1263797 (VCV001263797.5), dbSNP rs2163236, ClinGen allele CA11038358.